The following is an entry in ClinVar:

NM_000435.3(NOTCH3):c.1586_1589delinsGTCCGAG (p.Tyr529_Glu530delinsCysProArg)

Gene: NOTCH3 (notch receptor 3; minus strand). Cytogenetic location: 19p13.12.
Variant type: Indel.
Coding change: c.1586_1589delinsGTCCGAG on transcript NM_000435.3 (MANE Select); coding-DNA positions 1586 to 1589, ACGA replaced by GTCCGAG.
Protein change: p.Tyr529_Glu530delinsCysProArg.
Molecular consequence: inframe indel.
Genome position (GRCh38, 1-based): chr19:15,187,898-15,187,901, TCGT replaced by CTCGGAC on the plus strand (ACGA replaced by GTCCGAG on the coding strand, the reverse complement: NOTCH3 is on the minus strand). VCF-style: chr19-15187898-TCGT-CTCGGAC. GRCh37 (hg19) VCF-style: chr19-15298709-TCGT-CTCGGAC.
Identifiers: ClinVar variation 4687708 (VCV004687708.1).

ClinVar aggregate classification (germline): Uncertain significance (1 of 4 stars; one submission).

Submission:

Women's Health and Genetics/Laboratory Corporation of America, LabCorp
Classification: Uncertain significance. Last evaluated: 2025-10-31. Review status: criteria provided, single submitter. Criteria: LabCorp Variant Classification Summary - May 2015. Collection method: clinical testing. Allele origin: germline.
Comment: Variant summary: NOTCH3 c.1586_1589delinsGTCCGAG (p.Tyr529_Glu530delinsCysProArg) results in an in-frame deletion-insertion that is predicted to delete 2 amino acids and insert 3 different amino acids from the protein, creating a novel cysteine residue in the EGF-like repeat region (IPR000742). Gain/loss of cysteine residues in the EGF-like repeat domains have been shown to be typical mutations of CADASIL and NOTCH3-related disorders (PMIDs 32457593, 39191170). The variant was absent in 155102 control chromosomes (gnomAD). The available data on variant occurrences in the general population are insufficient to allow any conclusion about variant significance. To our knowledge, no occurrence of c.1586_1589delinsGTCCGAG in individuals affected with NOTCH3-related conditions and no experimental evidence demonstrating its impact on protein function have been reported. No submitters have cited clinical-significance assessments for this variant to ClinVar. Based on the evidence outlined above, the variant was classified as uncertain significance.